The following is an entry in ClinVar:

NM_001386140.1(MTTP):c.791G>A (p.Gly264Asp)

Gene: MTTP (microsomal triglyceride transfer protein; plus strand). Cytogenetic location: 4q23.
Variant type: single nucleotide variant.
Coding change: c.791G>A on transcript NM_001386140.1 (MANE Select); coding-DNA position 791, G replaced by A.
Protein change: p.Gly264Asp; replaces glycine 264 with aspartic acid.
Molecular consequence: missense variant.
Genome position (GRCh38, 1-based): chr4:99,594,765, G>A. VCF-style: chr4-99594765-G-A. GRCh37 (hg19) VCF-style: chr4-100515922-G-A.
Other names: c.791G>A, p.Gly264Asp (NM_000253.4); c.542G>A, p.Gly181Asp (NM_001300785.2); short protein forms G264D, G181D.
Identifiers: ClinVar variation 901212 (VCV000901212.6), dbSNP rs1428463955, ClinGen allele CA357505708.

ClinVar aggregate classification (germline): Uncertain significance. Review status: criteria provided, multiple submitters, no conflicts (2 of 4 stars). 3 submissions from 3 submitters: Uncertain significance (3). Last evaluated 2024-09-06.

Conditions:
Abetalipoproteinaemia (ABL). Also called: Abetalipoproteinemia; Abetalipoproteinemia neuropathy; Apolipoprotein B deficiency; Congenital betalipoprotein deficiency syndrome; MTP DEFICIENCY. Identifiers: Orphanet 14, MedGen C0000744, MONDO:0008692, OMIM 200100, HP:0008181.

Allele frequency attached by ClinVar (database versions not stated): gnomAD exomes below 0.00001 and 0.00001; gnomAD 0.00001; TOPMed 0.00003.
gnomAD v4.1: 9 of 1,613,858 alleles (0.00056%); highest among the groups gnomAD compares: Admixed American, 0.005%; no homozygotes.

Submissions (3):

Blueprint Genetics
Classification: Uncertain significance. Last evaluated: 2024-09-06. Review status: criteria provided, single submitter. Criteria: ACMG Guidelines, 2015. Collection method: clinical testing. Allele origin: germline.

Labcorp Genetics (formerly Invitae), Labcorp
Classification: Uncertain significance. Last evaluated: 2022-07-06. Review status: criteria provided, single submitter. Criteria: Invitae Variant Classification Sherloc (09022015). Collection method: clinical testing. Allele origin: germline.
Comment: This sequence change replaces glycine, which is neutral and non-polar, with aspartic acid, which is acidic and polar, at codon 264 of the MTTP protein (p.Gly264Asp). This variant is present in population databases (no rsID available, gnomAD 0.006%). This variant has not been reported in the literature in individuals affected with MTTP-related conditions. ClinVar contains an entry for this variant (Variation ID: 901212). Algorithms developed to predict the effect of missense changes on protein structure and function are either unavailable or do not agree on the potential impact of this missense change (SIFT: "Tolerated"; PolyPhen-2: "Probably Damaging"; Align-GVGD: "Class C15"). In summary, the available evidence is currently insufficient to determine the role of this variant in disease. Therefore, it has been classified as a Variant of Uncertain Significance.

Illumina Laboratory Services, Illumina
Classification: Uncertain significance for Abetalipoproteinaemia. Last evaluated: 2018-01-13. Review status: criteria provided, single submitter. Criteria: ICSL Variant Classification Criteria 13 December 2019. Collection method: clinical testing. Allele origin: germline.